The following is an entry in ClinVar:

ClinVar aggregate classification (germline): Uncertain significance (1 of 4 stars; one submission).

Conditions:
Fanconi anemia complementation group J. Also called: BRIP1-Related Fanconi Anemia. Identifiers: Orphanet 84, MedGen C1836860, MONDO:0012187, OMIM 609054.
Familial cancer of breast. Also called: Hereditary breast cancer; BREAST CANCER, FAMILIAL; hereditary breast carcinoma. Identifiers: Orphanet 227535, MedGen C0346153, MONDO:0016419, OMIM 114480. Disease mechanism: loss of function.

Submission:

Labcorp Genetics (formerly Invitae), Labcorp
Classification: Uncertain significance for Familial cancer of breast; Fanconi anemia complementation group J. Last evaluated: 2023-12-31. Review status: criteria provided, single submitter. Criteria: Invitae Variant Classification Sherloc (09022015). Collection method: clinical testing. Allele origin: germline.
Comment: This sequence change replaces aspartic acid, which is acidic and polar, with asparagine, which is neutral and polar, at codon 361 of the BRIP1 protein (p.Asp361Asn). This variant is not present in population databases (gnomAD no frequency). This variant has not been reported in the literature in individuals affected with BRIP1-related conditions. ClinVar contains an entry for this variant (Variation ID: 568484). Advanced modeling of protein sequence and biophysical properties (such as structural, functional, and spatial information, amino acid conservation, physicochemical variation, residue mobility, and thermodynamic stability) performed at Invitae indicates that this missense variant is not expected to disrupt BRIP1 protein function with a negative predictive value of 80%. Algorithms developed to predict the effect of sequence changes on RNA splicing suggest that this variant may disrupt the consensus splice site. In summary, the available evidence is currently insufficient to determine the role of this variant in disease. Therefore, it has been classified as a Variant of Uncertain Significance.

NM_032043.3(BRIP1):c.1081G>A (p.Asp361Asn)

Gene: BRIP1 (BRCA1 interacting DNA helicase 1; minus strand). Cytogenetic location: 17q23.2.
Variant type: single nucleotide variant.
Coding change: c.1081G>A on transcript NM_032043.3 (MANE Select); coding-DNA position 1081, G replaced by A.
Protein change: p.Asp361Asn; replaces aspartic acid 361 with asparagine.
Molecular consequence: missense variant.
Genome position (GRCh38, 1-based): chr17:61,801,312, C>T on the plus strand (G>A on the coding strand, the complement: BRIP1 is on the minus strand). VCF-style: chr17-61801312-C-T. GRCh37 (hg19) VCF-style: chr17-59878673-C-T.
Other names: short protein forms D361N.
Identifiers: ClinVar variation 568484 (VCV000568484.9), dbSNP rs1060501737, ClinGen allele CA400483976.